The following is an entry in ClinVar:

NM_138281.3(DLX4):c.597A>C (p.Pro199=)

Gene: DLX4 (distal-less homeobox 4; plus strand). Cytogenetic location: 17q21.33.
Variant type: single nucleotide variant.
Coding change: c.597A>C on transcript NM_138281.3 (MANE Select); coding-DNA position 597, A replaced by C.
Protein change: p.Pro199=; no amino-acid change (proline 199 retained).
Molecular consequence: synonymous variant.
Genome position (GRCh38, 1-based): chr17:49,973,817, A>C. VCF-style: chr17-49973817-A-C. GRCh37 (hg19) VCF-style: chr17-48051181-A-C.
Other names: c.381A>C, p.Pro127= (NM_001934.4).
Identifiers: ClinVar variation 3025586 (VCV003025586.22), dbSNP rs1598148629, ClinGen allele CA500989081.

ClinVar aggregate classification (germline): Likely benign (1 of 4 stars; one submission).

Submission:

CeGaT Center for Human Genetics Tuebingen
Classification: Likely benign. Last evaluated: 2024-01-01. Review status: criteria provided, single submitter. Criteria: CeGaT Center For Human Genetics Tuebingen Variant Classification Criteria Version 2. Collection method: clinical testing. Allele origin: germline. Affected: yes. Observed: 1 variant allele.
Comment: DLX4: BP4, BP7